The following is an entry in ClinVar:

NM_001286577.2(C2CD3):c.6067C>G (p.Pro2023Ala)

Gene: C2CD3 (C2 domain containing 3 centriole elongation regulator; minus strand). Cytogenetic location: 11q13.4.
Variant type: single nucleotide variant.
Coding change: c.6067C>G on transcript NM_001286577.2 (MANE Select); coding-DNA position 6067, C replaced by G.
Protein change: p.Pro2023Ala; replaces proline 2023 with alanine.
Molecular consequence: missense variant.
Genome position (GRCh38, 1-based): chr11:74,034,093, G>C on the plus strand (C>G on the coding strand, the complement: C2CD3 is on the minus strand). VCF-style: chr11-74034093-G-C. GRCh37 (hg19) VCF-style: chr11-73745138-G-C.
Other names: short protein forms P2023A.
Identifiers: ClinVar variation 1345688 (VCV001345688.6), dbSNP rs2135413179, ClinGen allele CA381821792.

ClinVar aggregate classification (germline): Uncertain significance (1 of 4 stars; one submission).

Submission:

Labcorp Genetics (formerly Invitae), Labcorp
Classification: Uncertain significance. Last evaluated: 2021-11-03. Review status: criteria provided, single submitter. Criteria: Invitae Variant Classification Sherloc (09022015). Collection method: clinical testing. Allele origin: germline.
Comment: In summary, the available evidence is currently insufficient to determine the role of this variant in disease. Therefore, it has been classified as a Variant of Uncertain Significance. Experimental studies and prediction algorithms are not available or were not evaluated, and the functional significance of this variant is currently unknown. This variant has not been reported in the literature in individuals affected with C2CD3-related conditions. This variant is not present in population databases (gnomAD no frequency). This sequence change replaces proline, which is neutral and non-polar, with alanine, which is neutral and non-polar, at codon 2023 of the C2CD3 protein (p.Pro2023Ala). The C2CD3 gene has multiple clinically relevant transcripts. This variant occurs in alternate transcript NM_001286577.1, and corresponds to NM_015531.5:c.*505C>G in the primary transcript.